The following is an entry in ClinVar:

NM_024422.6(DSC2):c.331G>C (p.Val111Leu)

Gene: DSC2 (desmocollin 2; minus strand). Cytogenetic location: 18q12.1.
Variant type: single nucleotide variant.
Coding change: c.331G>C on transcript NM_024422.6 (MANE Select); coding-DNA position 331, G replaced by C.
Protein change: p.Val111Leu; replaces valine 111 with leucine.
Molecular consequence: missense variant.
Genome position (GRCh38, 1-based): chr18:31,092,124, C>G on the plus strand (G>C on the coding strand, the complement: DSC2 is on the minus strand). VCF-style: chr18-31092124-C-G. GRCh37 (hg19) VCF-style: chr18-28672087-C-G.
Other names: c.331G>C, p.Val111Leu (NM_004949.5); short protein forms V111L.
Identifiers: ClinVar variation 920617 (VCV000920617.6), dbSNP rs1987620497, ClinGen allele CA402114607.

ClinVar aggregate classification (germline): Uncertain significance. Review status: criteria provided, multiple submitters, no conflicts (2 of 4 stars). 3 submissions from 3 submitters: Uncertain significance (3). Last evaluated 2025-06-14.

Conditions:
Familial isolated arrhythmogenic right ventricular dysplasia. Identifiers: Orphanet 217656, MedGen C4274968, MONDO:0016342.
Cardiomyopathy (CMYO). Also called: Cardiomyopathies. Identifiers: Orphanet 167848, MedGen C0878544, MONDO:0004994, HP:0001638. Inheritance: Various modes of inheritance.
Arrhythmogenic right ventricular dysplasia 11. Also called: ARRHYTHMOGENIC RIGHT VENTRICULAR DYSPLASIA, FAMILIAL, 11; Arrhythmogenic Right Ventricular Dysplasia/Cardiomyopathy11; Arrhythmogenic right ventricular dysplasia 11 with mild palmoplantar keratoderma and woolly hair. Identifiers: MedGen C1864850, MONDO:0012506, OMIM 610476.

Submissions (3):

Labcorp Genetics (formerly Invitae), Labcorp
Classification: Uncertain significance for Arrhythmogenic right ventricular dysplasia 11. Last evaluated: 2025-06-14. Review status: criteria provided, single submitter. Criteria: Invitae Variant Classification Sherloc (09022015). Collection method: clinical testing. Allele origin: germline.
Comment: This sequence change replaces valine, which is neutral and non-polar, with leucine, which is neutral and non-polar, at codon 111 of the DSC2 protein (p.Val111Leu). This variant is not present in population databases (gnomAD no frequency). This variant has not been reported in the literature in individuals affected with DSC2-related conditions. ClinVar contains an entry for this variant (Variation ID: 920617). Invitae Evidence Modeling of protein sequence and biophysical properties (such as structural, functional, and spatial information, amino acid conservation, physicochemical variation, residue mobility, and thermodynamic stability) indicates that this missense variant is expected to disrupt DSC2 protein function with a positive predictive value of 80%. In summary, the available evidence is currently insufficient to determine the role of this variant in disease. Therefore, it has been classified as a Variant of Uncertain Significance.

Color Diagnostics, LLC DBA Color Health
Classification: Uncertain significance for Cardiomyopathy. Last evaluated: 2024-03-06. Review status: criteria provided, single submitter. Criteria: ACMG Guidelines, 2015. Collection method: clinical testing. Allele origin: germline.
Comment: This missense variant replaces valine with leucine at codon 111 of the DSC2 protein. Computational prediction suggests that this variant may not impact protein structure and function (internally defined REVEL score threshold <= 0.5, PMID: 27666373). Splice site prediction tools suggest that this variant may not impact RNA splicing. To our knowledge, functional studies have not been performed for this variant. This variant has not been reported in individuals affected with cardiovascular disorders in the literature. This variant has not been identified in the general population by the Genome Aggregation Database (gnomAD). The available evidence is insufficient to determine the role of this variant in disease conclusively. Therefore, this variant is classified as a Variant of Uncertain Significance.

All of Us Research Program, National Institutes of Health
Classification: Uncertain significance for Familial isolated arrhythmogenic right ventricular dysplasia. Last evaluated: 2023-06-28. Review status: criteria provided, single submitter. Criteria: ACMG Guidelines, 2015. Collection method: clinical testing. Allele origin: germline. Inheritance: Autosomal dominant inheritance. Observed: 1 variant allele, 1 heterozygote.
Comment: This missense variant replaces valine with leucine at codon 111 of the DSC2 protein. Computational prediction suggests that this variant may not impact protein structure and function (internally defined REVEL score threshold <= 0.5, PMID: 27666373). Splice site prediction tools suggest that this variant may not impact RNA splicing. To our knowledge, functional studies have not been performed for this variant. This variant has not been reported in individuals affected with cardiovascular disorders in the literature. This variant has not been identified in the general population by the Genome Aggregation Database (gnomAD). The available evidence is insufficient to determine the role of this variant in disease conclusively. Therefore, this variant is classified as a Variant of Uncertain Significance.

This study involves interpretation of variants in research participants for the purpose of population health screening. Participant phenotype was not available at the time of variant classification. Additional details can be found in publication PMID: 35346344, PMCID: PMC8962531